The following is an entry in ClinVar:

NM_001110556.2(FLNA):c.4083C>A (p.His1361Gln)

Gene: FLNA (filamin A; minus strand). Cytogenetic location: Xq28.
Variant type: single nucleotide variant.
Coding change: c.4083C>A on transcript NM_001110556.2 (MANE Select); coding-DNA position 4083, C replaced by A.
Protein change: p.His1361Gln; replaces histidine 1361 with glutamine.
Molecular consequence: missense variant.
Genome position (GRCh38, 1-based): chrX:154,359,543, G>T on the plus strand (C>A on the coding strand, the complement: FLNA is on the minus strand). VCF-style: chrX-154359543-G-T. GRCh37 (hg19) VCF-style: chrX-153587911-G-T.
Other names: c.4083C>A, p.His1361Gln (NM_001456.4); short protein forms H1361Q.
Identifiers: ClinVar variation 373181 (VCV000373181.1), dbSNP rs201475771, ClinGen allele CA16043279.
Genomic context (GRCh38, chrX:154,359,543, plus strand): 5'-CCTGGTCTCCACAGTGAACTTGTTGGGCTTGTTGGTGGTGCCACTTTGGATGCCTGGCCC[G>T]TGGACACGCACCCGGGAGGGGTCGCAGCCCTCGGTCACGGGCACCTGGAAGGGGCTGCTG-3'
Protein context (NP_001104026.1, residues 1351-1371): EGCDPSRVRV[His1361Gln]GPGIQSGTTN

ClinVar aggregate classification (germline): Uncertain significance (1 of 4 stars; one submission).

Submission:

GeneDx
Classification: Uncertain significance. Last evaluated: 2016-11-16. Review status: criteria provided, single submitter. Criteria: GeneDx Variant Classification (06012015). Collection method: clinical testing. Allele origin: germline. Affected: yes.
Comment: The H1361Q novel variant of uncertain significance in the FLNA gene has not been published as a pathogenic or benign variant to our knowledge. This variant was not observed in approximately 6,200 individuals of European and African American ancestry in the NHLBI Exome Sequencing Project or in the Exome Aggregation Consortium, indicating it is not a common benign variant in these populations. The H1361Q variant is a semi-conservative amino acid substitution, which may impact secondary protein structure as these residues differ in some properties. This substitution also occurs at a position that is conserved in mammals; however, Q1361 is tolerated in at least two non-mammalian species. In silico analysis is inconsistent in its predictions as to whether or not the variant is damaging to the protein structure/function. Therefore, based on the currently available information, it is unclear whether this variant is pathogenic or rare benign.